The following is an entry in ClinVar:

NM_000287.4(PEX6):c.508T>C (p.Ser170Pro)

Gene: PEX6 (peroxisomal biogenesis factor 6; minus strand). Cytogenetic location: 6p21.1.
Variant type: single nucleotide variant.
Coding change: c.508T>C on transcript NM_000287.4 (MANE Select); coding-DNA position 508, T replaced by C.
Protein change: p.Ser170Pro; replaces serine 170 with proline.
Molecular consequence: missense variant. On other transcripts: non-coding transcript variant (1).
Genome position (GRCh38, 1-based): chr6:42,978,643, A>G on the plus strand (T>C on the coding strand, the complement: PEX6 is on the minus strand). VCF-style: chr6-42978643-A-G. GRCh37 (hg19) VCF-style: chr6-42946381-A-G.
Other names: c.508T>C, p.Ser170Pro (NM_001316313.2); short protein forms S170P.
Identifiers: ClinVar variation 1511363 (VCV001511363.5), dbSNP rs1233039273, ClinGen allele CA364164682.
Genomic context (GRCh38, chr6:42,978,643, plus strand): 5'-TGCCAGAAACCGCAAAGGAGGACACCACGGGCGGGGGTGGGGGCCGACTGCTGTCCCCAG[A>G]CTCTGGACACAGTCTGGCCCGCCCGCGGAGCTCAGTCACAGCCAGCCGAGTCCCTGGGCC-3'
Protein context (NP_000278.3, residues 160-180): LRGRARLCPE[Ser170Pro]GDSSRPPPPP

ClinVar aggregate classification (germline): Uncertain significance (1 of 4 stars; one submission).

Conditions:
Peroxisome biogenesis disorder. Identifiers: Orphanet 79189, MedGen C1832200, MONDO:0019234. Disease mechanism: loss of function.

Allele frequency attached by ClinVar (database versions not stated): gnomAD exomes below 0.00001; TOPMed below 0.00001.
gnomAD v4.1: 6 of 1,579,814 alleles (0.00038%); highest among the groups gnomAD compares: Non-Finnish European, 0.00051%; no homozygotes.

Submission:

Labcorp Genetics (formerly Invitae), Labcorp
Classification: Uncertain significance for Peroxisome biogenesis disorder. Last evaluated: 2021-08-20. Review status: criteria provided, single submitter. Criteria: Invitae Variant Classification Sherloc (09022015). Collection method: clinical testing. Allele origin: germline.
Comment: This sequence change replaces serine with proline at codon 170 of the PEX6 protein (p.Ser170Pro). The serine residue is weakly conserved and there is a moderate physicochemical difference between serine and proline. This variant is not present in population databases (ExAC no frequency). This variant has not been reported in the literature in individuals affected with PEX6-related conditions. Algorithms developed to predict the effect of missense changes on protein structure and function output the following: SIFT: "Tolerated"; PolyPhen-2: "Benign"; Align-GVGD: "Class C0". The proline amino acid residue is found in multiple mammalian species, which suggests that this missense change does not adversely affect protein function. In summary, the available evidence is currently insufficient to determine the role of this variant in disease. Therefore, it has been classified as a Variant of Uncertain Significance.